The following is an entry in ClinVar:

ClinVar aggregate classification (germline): Uncertain significance. Review status: criteria provided, multiple submitters, no conflicts (2 of 4 stars). 2 submissions from 2 submitters: Uncertain significance (2). Last evaluated 2024-01-08.

Conditions:
Inborn genetic diseases. Identifiers: MedGen C0950123, MeSH D030342.

Allele frequency attached by ClinVar (database versions not stated): gnomAD exomes 0.00002; gnomAD 0.00003; TOPMed 0.00005; ESP Exome Variant Server 0.00008.
gnomAD v4.1: 32 of 1,607,798 alleles (0.002%); highest among the groups gnomAD compares: Non-Finnish European, 0.0024%; no homozygotes.

Submissions (2):

Ambry Genetics
Classification: Uncertain significance for Inborn genetic diseases. Last evaluated: 2024-01-08. Review status: criteria provided, single submitter. Criteria: Ambry Variant Classification Scheme 2023. Collection method: clinical testing. Allele origin: germline.

Labcorp Genetics (formerly Invitae), Labcorp
Classification: Uncertain significance. Last evaluated: 2022-08-13. Review status: criteria provided, single submitter. Criteria: Invitae Variant Classification Sherloc (09022015). Collection method: clinical testing. Allele origin: germline.
Comment: This variant is present in population databases (rs376077978, gnomAD 0.0008%). In summary, the available evidence is currently insufficient to determine the role of this variant in disease. Therefore, it has been classified as a Variant of Uncertain Significance. Algorithms developed to predict the effect of missense changes on protein structure and function (SIFT, PolyPhen-2, Align-GVGD) all suggest that this variant is likely to be tolerated. This variant has not been reported in the literature in individuals affected with GPR179-related conditions. This sequence change replaces isoleucine, which is neutral and non-polar, with threonine, which is neutral and polar, at codon 395 of the GPR179 protein (p.Ile395Thr).

NM_001004334.4(GPR179):c.1184T>C (p.Ile395Thr)

Gene: GPR179 (G protein-coupled receptor 179; minus strand). Cytogenetic location: 17q12.
Variant type: single nucleotide variant.
Coding change: c.1184T>C on transcript NM_001004334.4 (MANE Select); coding-DNA position 1184, T replaced by C.
Protein change: p.Ile395Thr; replaces isoleucine 395 with threonine.
Molecular consequence: missense variant.
Genome position (GRCh38, 1-based): chr17:38,337,021, A>G on the plus strand (T>C on the coding strand, the complement: GPR179 is on the minus strand). VCF-style: chr17-38337021-A-G. GRCh37 (hg19) VCF-style: chr17-36492904-A-G.
Other names: c.1184T>C (NM_001004334.2); short protein forms I395T.
Identifiers: ClinVar variation 1975947 (VCV001975947.4), dbSNP rs376077978, ClinGen allele CA290109321.